The following is an entry in ClinVar:

NM_001378454.1(ALMS1):c.6815T>C (p.Met2272Thr)

Gene: ALMS1 (ALMS1 centrosome and basal body associated protein; plus strand). Cytogenetic location: 2p13.1.
Variant type: single nucleotide variant.
Coding change: c.6815T>C on transcript NM_001378454.1 (MANE Select); coding-DNA position 6815, T replaced by C.
Protein change: p.Met2272Thr; replaces methionine 2272 with threonine.
Molecular consequence: missense variant.
Genome position (GRCh38, 1-based): chr2:73,453,342, T>C. VCF-style: chr2-73453342-T-C. GRCh37 (hg19) VCF-style: chr2-73680469-T-C.
Other names: c.6818T>C, p.Met2273Thr (NM_015120.4); short protein forms M2272T, M2273T.
Identifiers: ClinVar variation 1380777 (VCV001380777.6), dbSNP rs1330734793, ClinGen allele CA347289496.
Genomic context (GRCh38, chr2:73,453,342, plus strand): 5'-CAGAAAATAGTGCTAAAACTCTTAAGGAAATTCGGACACTTTTGATGGAGGCAGAAAATA[T>C]GGCACTGAAACGATGCAATTTTCCTGCTCCCCTTGCCCGTTTCAGAGATATTAGTGATAT-3'
Protein context (NP_001365383.1, residues 2262-2282): IRTLLMEAEN[Met2272Thr]ALKRCNFPAP

ClinVar aggregate classification (germline): Uncertain significance. Review status: criteria provided, multiple submitters, no conflicts (2 of 4 stars). 2 submissions from 2 submitters: Uncertain significance (2). Last evaluated 2024-04-30.

Conditions:
Cardiovascular phenotype. Identifiers: MedGen CN230736.
Alstrom syndrome (ALMS). Identifiers: Orphanet 64, MedGen C0268425, MONDO:0008763, OMIM 203800.

Allele frequency attached by ClinVar (database versions not stated): gnomAD exomes below 0.00001 and 0.00001; TOPMed 0.00002; gnomAD 0.00003 and 0.00004.
gnomAD v4.1: 14 of 1,613,792 alleles (0.00087%); highest among the groups gnomAD compares: East Asian, 0.0022%; no homozygotes.

Submissions (2):

Ambry Genetics
Classification: Uncertain significance for Cardiovascular phenotype. Last evaluated: 2024-04-30. Review status: criteria provided, single submitter. Criteria: Ambry Variant Classification Scheme 2023. Collection method: clinical testing. Allele origin: germline.
Comment: The p.M2273T variant (also known as c.6818T>C), located in coding exon 8 of the ALMS1 gene, results from a T to C substitution at nucleotide position 6818. The methionine at codon 2273 is replaced by threonine, an amino acid with similar properties. This amino acid position is poorly conserved in available vertebrate species. In addition, this alteration is predicted to be deleterious by in silico analysis. Since supporting evidence is limited at this time, the clinical significance of this alteration remains unclear.

Labcorp Genetics (formerly Invitae), Labcorp
Classification: Uncertain significance for Alstrom syndrome. Last evaluated: 2022-05-21. Review status: criteria provided, single submitter. Criteria: Invitae Variant Classification Sherloc (09022015). Collection method: clinical testing. Allele origin: germline.
Comment: This sequence change replaces methionine, which is neutral and non-polar, with threonine, which is neutral and polar, at codon 2273 of the ALMS1 protein (p.Met2273Thr). This variant is present in population databases (no rsID available, gnomAD 0.002%). This variant has not been reported in the literature in individuals affected with ALMS1-related conditions. Experimental studies and prediction algorithms are not available or were not evaluated, and the functional significance of this variant is currently unknown. In summary, the available evidence is currently insufficient to determine the role of this variant in disease. Therefore, it has been classified as a Variant of Uncertain Significance.